The following is an entry in ClinVar:

ClinVar aggregate classification (germline): Uncertain significance (1 of 4 stars; one submission).

Submission:

GeneDx
Classification: Uncertain significance. Last evaluated: 2024-03-19. Review status: criteria provided, single submitter. Criteria: GeneDx Variant Classification Process June 2021. Collection method: clinical testing. Allele origin: germline. Affected: yes.
Comment: Not observed at significant frequency in large population cohorts (gnomAD); In silico analysis supports that this missense variant has a deleterious effect on protein structure/function; Has not been previously published as pathogenic or benign to our knowledge

NM_006852.6(TLK2):c.1356T>G (p.Ser452Arg)

Gene: TLK2 (tousled like kinase 2; plus strand). Cytogenetic location: 17q23.2.
Variant type: single nucleotide variant.
Coding change: c.1356T>G on transcript NM_006852.6 (MANE Select); coding-DNA position 1356, T replaced by G.
Protein change: p.Ser452Arg; replaces serine 452 with arginine.
Molecular consequence: missense variant.
Genome position (GRCh38, 1-based): chr17:62,580,180, T>G. VCF-style: chr17-62580180-T-G. GRCh37 (hg19) VCF-style: chr17-60657541-T-G.
Other names: c.1422T>G, p.Ser474Arg (NM_001284333.3); c.1260T>G, p.Ser420Arg (NM_001284363.1, NM_001375272.1); c.909T>G, p.Ser303Arg (NM_001330418.3, NM_001375273.1); c.1398T>G, p.Ser466Arg (NM_001375269.1); c.1356T>G, p.Ser452Arg (NM_001375270.1, NM_001375271.1); c.1071T>G, p.Ser357Arg (NM_001411074.1); short protein forms S303R, S357R, S420R, S452R, S466R, S474R.
Identifiers: ClinVar variation 3371232 (VCV003371232.1).